The following is an entry in ClinVar:

NM_006231.4(POLE):c.1481G>A (p.Arg494Gln)

Gene: POLE (DNA polymerase epsilon, catalytic subunit; minus strand). Cytogenetic location: 12q24.33.
Variant type: single nucleotide variant.
Coding change: c.1481G>A on transcript NM_006231.4 (MANE Select); coding-DNA position 1481, G replaced by A.
Protein change: p.Arg494Gln; replaces arginine 494 with glutamine.
Molecular consequence: missense variant.
Genome position (GRCh38, 1-based): chr12:132,672,832, C>T on the plus strand (G>A on the coding strand, the complement: POLE is on the minus strand). VCF-style: chr12-132672832-C-T. GRCh37 (hg19) VCF-style: chr12-133249418-C-T.
Other names: c.1481G>A (NM_006231.2); short protein forms R494Q.
Identifiers: ClinVar variation 950418 (VCV000950418.10), dbSNP rs192173820, ClinGen allele CA6893930.

ClinVar aggregate classification (germline): Uncertain significance. Review status: criteria provided, multiple submitters, no conflicts (2 of 4 stars). 4 submissions from 4 submitters: Uncertain significance (4). Last evaluated 2025-09-22.

Conditions:
Hereditary cancer-predisposing syndrome. Also called: Tumor predisposition; Hereditary neoplastic syndrome; Neoplastic Syndromes, Hereditary; Hereditary Cancer Syndrome. Identifiers: Orphanet 140162, MedGen C0027672, MeSH D009386, MONDO:0015356.

Allele frequency attached by ClinVar (database versions not stated): gnomAD exomes below 0.00001 and 0.00001; ExAC 0.00001; gnomAD 0.00001; TOPMed 0.00001; 1000 Genomes Project 30x 0.00016; 1000 Genomes Project 0.00020.
gnomAD v4.1: 4 of 1,613,778 alleles (0.00025%); highest among the groups gnomAD compares: African/African-American, 0.004%; no homozygotes.

Submissions (4):

Labcorp Genetics (formerly Invitae), Labcorp
Classification: Uncertain significance. Last evaluated: 2025-09-22. Review status: criteria provided, single submitter. Criteria: Invitae Variant Classification Sherloc (09022015). Collection method: clinical testing. Allele origin: germline.
Comment: This sequence change replaces arginine, which is basic and polar, with glutamine, which is neutral and polar, at codon 494 of the POLE protein (p.Arg494Gln). This variant is present in population databases (rs192173820, gnomAD 0.008%). This variant has not been reported in the literature in individuals affected with POLE-related conditions. ClinVar contains an entry for this variant (Variation ID: 950418). Invitae Evidence Modeling of protein sequence and biophysical properties (such as structural, functional, and spatial information, amino acid conservation, physicochemical variation, residue mobility, and thermodynamic stability) indicates that this missense variant is expected to disrupt POLE protein function with a positive predictive value of 80%. In summary, the available evidence is currently insufficient to determine the role of this variant in disease. Therefore, it has been classified as a Variant of Uncertain Significance.

Ambry Genetics
Classification: Uncertain significance for Hereditary cancer-predisposing syndrome. Last evaluated: 2025-01-21. Review status: criteria provided, single submitter. Criteria: Ambry Variant Classification Scheme 2023. Collection method: clinical testing. Allele origin: germline.
Comment: The p.R494Q variant (also known as c.1481G>A), located in coding exon 15 of the POLE gene, results from a G to A substitution at nucleotide position 1481. The arginine at codon 494 is replaced by glutamine, an amino acid with highly similar properties. This amino acid position is highly conserved in available vertebrate species. In addition, the in silico prediction for this alteration is inconclusive. Based on the available evidence, the clinical significance of this variant remains unclear.

GeneDx
Classification: Uncertain significance. Last evaluated: 2023-07-13. Review status: criteria provided, single submitter. Criteria: GeneDx Variant Classification Process June 2021. Collection method: clinical testing. Allele origin: germline. Affected: yes.
Comment: Not observed at significant frequency in large population cohorts (gnomAD); In silico analysis supports that this missense variant has a deleterious effect on protein structure/function; Has not been previously published as pathogenic or benign to our knowledge; This variant is associated with the following publications: (PMID: 32647357)

Quest Diagnostics Nichols Institute San Juan Capistrano
Classification: Uncertain significance. Last evaluated: 2019-12-27. Review status: criteria provided, single submitter. Criteria: Quest Diagnostics criteria. Collection method: clinical testing. Allele origin: unknown.